The following is an entry in ClinVar:

ClinVar aggregate classification (germline): Likely benign (1 of 4 stars; one submission).

Allele frequency attached by ClinVar (database versions not stated): 1000 Genomes Project 30x 0.00047; gnomAD exomes 0.00150; 1000 Genomes Project 0.00060; gnomAD 0.00126; TOPMed 0.00132.
gnomAD v4.1: 563 of 399,108 alleles (0.14%); highest among the groups gnomAD compares: Non-Finnish European, 0.21%; 1 homozygote.

Submission:

CeGaT Center for Human Genetics Tuebingen
Classification: Likely benign. Last evaluated: 2023-01-01. Review status: criteria provided, single submitter. Criteria: CeGaT Center For Human Genetics Tuebingen Variant Classification Criteria Version 2. Collection method: clinical testing. Allele origin: germline. Affected: yes. Observed: 1 variant allele.
Comment: TTC34: BP4, BP7

NM_001242672.3(TTC34):c.60G>A (p.Ala20=)

Gene: TTC34 (tetratricopeptide repeat domain 34; minus strand). Cytogenetic location: 1p36.32.
Variant type: single nucleotide variant.
Coding change: c.60G>A on transcript NM_001242672.3 (MANE Select); coding-DNA position 60, G replaced by A.
Protein change: p.Ala20=; no amino-acid change (alanine 20 retained).
Molecular consequence: synonymous variant.
Genome position (GRCh38, 1-based): chr1:2,800,768, C>T on the plus strand (G>A on the coding strand, the complement: TTC34 is on the minus strand). VCF-style: chr1-2800768-C-T. GRCh37 (hg19) VCF-style: chr1-2717333-C-T.
Identifiers: ClinVar variation 2638092 (VCV002638092.24), dbSNP rs61766525, ClinGen allele CA17030840.